The following is an entry in ClinVar:

NM_001287.6(CLCN7):c.1336A>G (p.Met446Val)

Gene: CLCN7 (Cl-/H+ antiporter 7; minus strand). Cytogenetic location: 16p13.3.
Variant type: single nucleotide variant.
Coding change: c.1336A>G on transcript NM_001287.6 (MANE Select); coding-DNA position 1336, A replaced by G.
Protein change: p.Met446Val; replaces methionine 446 with valine.
Molecular consequence: missense variant.
Genome position (GRCh38, 1-based): chr16:1,452,772, T>C on the plus strand (A>G on the coding strand, the complement: CLCN7 is on the minus strand). VCF-style: chr16-1452772-T-C. GRCh37 (hg19) VCF-style: chr16-1502773-T-C.
Other names: c.1336A>G (NM_001287.5, NM_001287.4); c.1264A>G, p.Met422Val (NM_001114331.3); short protein forms M422V, M446V.
Identifiers: ClinVar variation 1987018 (VCV001987018.6), dbSNP rs779826360, ClinGen allele CA7810320.

ClinVar aggregate classification (germline): Conflicting classifications of pathogenicity. Review status: criteria provided, conflicting classifications (1 of 4 stars). 3 submissions from 3 submitters: Uncertain significance (2); Likely benign (1). Last evaluated 2026-01-20.

Conditions:
CLCN7-related disorder. Also called: CLCN7-related condition.
Inborn genetic diseases. Identifiers: MedGen C0950123, MeSH D030342.

Allele frequency attached by ClinVar (database versions not stated): gnomAD 0.00002; TOPMed 0.00004; ExAC 0.00006.
gnomAD v4.1: 29 of 1,604,246 alleles (0.0018%); highest among the groups gnomAD compares: African/African-American, 0.0054%; no homozygotes.

Submissions (3):

Labcorp Genetics (formerly Invitae), Labcorp
Classification: Uncertain significance. Last evaluated: 2026-01-20. Review status: criteria provided, single submitter. Criteria: Invitae Variant Classification Sherloc (09022015). Collection method: clinical testing. Allele origin: germline.
Comment: This sequence change replaces methionine, which is neutral and non-polar, with valine, which is neutral and non-polar, at codon 446 of the CLCN7 protein (p.Met446Val). The frequency data for this variant in the population databases is considered unreliable, as metrics indicate poor data quality at this position in the gnomAD database. This variant has not been reported in the literature in individuals affected with CLCN7-related conditions. ClinVar contains an entry for this variant (Variation ID: 1987018). Invitae Evidence Modeling of protein sequence and biophysical properties (such as structural, functional, and spatial information, amino acid conservation, physicochemical variation, residue mobility, and thermodynamic stability) indicates that this missense variant is not expected to disrupt CLCN7 protein function with a negative predictive value of 95%. In summary, the available evidence is currently insufficient to determine the role of this variant in disease. Therefore, it has been classified as a Variant of Uncertain Significance.

PreventionGenetics, part of Exact Sciences
Classification: Uncertain significance for CLCN7-related condition. Last evaluated: 2025-02-03. Review status: criteria provided, single submitter. Criteria: ACMG Guidelines, 2015. Collection method: clinical testing. Allele origin: germline.
Comment: The CLCN7 c.1336A>G variant is predicted to result in the amino acid substitution p.Met446Val. To our knowledge, this variant has not been reported in the literature. This variant is reported in 0.0073% of alleles in individuals of African descent in gnomAD. At this time, the clinical significance of this variant is uncertain due to the absence of conclusive functional and genetic evidence.

Ambry Genetics
Classification: Likely benign for Inborn genetic diseases. Last evaluated: 2024-10-11. Review status: criteria provided, single submitter. Criteria: Ambry Variant Classification Scheme 2023. Collection method: clinical testing. Allele origin: germline.